The following is an entry in ClinVar:

NM_000089.4(COL1A2):c.1693G>A (p.Gly565Ser)

Gene: COL1A2 (collagen type I alpha 2 chain; plus strand). Cytogenetic location: 7q21.3.
Variant type: single nucleotide variant.
Coding change: c.1693G>A on transcript NM_000089.4 (MANE Select); coding-DNA position 1693, G replaced by A.
Protein change: p.Gly565Ser; replaces glycine 565 with serine.
Molecular consequence: missense variant.
Genome position (GRCh38, 1-based): chr7:94,414,249, G>A. VCF-style: chr7-94414249-G-A. GRCh37 (hg19) VCF-style: chr7-94043561-G-A.
Other names: short protein forms G565S.
Identifiers: ClinVar variation 2136567 (VCV002136567.4), dbSNP rs2484716774, ClinGen allele CA368222389.

ClinVar aggregate classification (germline): Pathogenic (1 of 4 stars; one submission).

Conditions:
Ehlers-Danlos syndrome, classic type, 1 (EDSCL1). Also called: Ehlers-Danlos Syndrome, Classic Type, COL5A1-Related; EHLERS-DANLOS SYNDROME, GRAVIS TYPE; EHLERS-DANLOS SYNDROME, SEVERE CLASSIC TYPE; Ehlers-Danlos syndrome, type 1; EDS I. Identifiers: MedGen C0268335, MONDO:0019567, OMIM 130000.
Osteogenesis imperfecta type I (OI1). Also called: OI, TYPE I; OSTEOGENESIS IMPERFECTA TARDA; OSTEOGENESIS IMPERFECTA WITH BLUE SCLERAE; Osteogenesis imperfecta type 1; Classic Non-deforming Osteogenesis Imperfecta with Blue Sclerae; Lobstein's Disease. Identifiers: Orphanet 216796, Orphanet 666, MedGen C0023931, MONDO:0008146, OMIM 166200. Disease mechanism: loss of function.

Submission:

Labcorp Genetics (formerly Invitae), Labcorp
Classification: Pathogenic for Osteogenesis imperfecta type I; Ehlers-Danlos syndrome, classic type, 1. Last evaluated: 2022-02-03. Review status: criteria provided, single submitter. Criteria: Invitae Variant Classification Sherloc (09022015). Collection method: clinical testing. Allele origin: germline.
Comment: In summary, the currently available evidence indicates that the variant is pathogenic, but additional data are needed to prove that conclusively. Therefore, this variant has been classified as Likely Pathogenic. This variant disrupts the triple helix domain of COL1A2. Glycine residues within the Gly-Xaa-Yaa repeats of the triple helix domain are required for the structure and stability of fibrillar collagens (PMID: 7695699, 8218237, 19344236). In COL1A2, variants affecting these glycine residues are significantly enriched in individuals with disease (PMID: 9016532, 17078022) compared to the general population (ExAC). Advanced modeling of protein sequence and biophysical properties (such as structural, functional, and spatial information, amino acid conservation, physicochemical variation, residue mobility, and thermodynamic stability) performed at Invitae indicates that this missense variant is expected to disrupt COL1A2 protein function. This missense change has been observed in individual(s) with autosomal dominant osteogenesis imperfecta type III (PMID: 27509835). This variant is not present in population databases (gnomAD no frequency). This sequence change replaces glycine, which is neutral and non-polar, with serine, which is neutral and polar, at codon 565 of the COL1A2 protein (p.Gly565Ser).

Literature cited by the submitters: PubMed 7695699; PubMed 8218237; PubMed 19344236; PubMed 9016532; PubMed 17078022; PubMed 27509835.